The following is an entry in ClinVar:

ClinVar aggregate classification (germline): Likely benign (0 of 4 stars; one submission).

Conditions:
NPC1L1-related disorder. Also called: NPC1L1-related condition.

Allele frequency attached by ClinVar (database versions not stated): 1000 Genomes Project 30x 0.00016; 1000 Genomes Project 0.00020; TOPMed 0.00097; gnomAD 0.00098; ESP Exome Variant Server 0.00115; gnomAD exomes 0.00124; ExAC 0.00128.
gnomAD v4.1: 1,975 of 1,614,140 alleles (0.12%); highest among the groups gnomAD compares: Middle Eastern, 0.18%; 3 homozygotes.

Submission:

PreventionGenetics, part of Exact Sciences
Classification: Likely benign for NPC1L1-related condition. Last evaluated: 2019-05-03. Review status: no assertion criteria provided. Collection method: clinical testing. Allele origin: germline.
Comment: This variant is classified as likely benign based on ACMG/AMP sequence variant interpretation guidelines (Richards et al. 2015 PMID: 25741868, with internal and published modifications).

NM_001101648.2(NPC1L1):c.1249C>T (p.Arg417Trp)

Gene: NPC1L1 (NPC1 like intracellular cholesterol transporter 1; minus strand). Cytogenetic location: 7p13.
Variant type: single nucleotide variant.
Coding change: c.1249C>T on transcript NM_001101648.2 (MANE Select); coding-DNA position 1249, C replaced by T.
Protein change: p.Arg417Trp; replaces arginine 417 with tryptophan.
Molecular consequence: missense variant.
Genome position (GRCh38, 1-based): chr7:44,539,148, G>A on the plus strand (C>T on the coding strand, the complement: NPC1L1 is on the minus strand). VCF-style: chr7-44539148-G-A. GRCh37 (hg19) VCF-style: chr7-44578747-G-A.
Other names: c.1249C>T, p.Arg417Trp (NM_001300967.2, NM_013389.3); short protein forms R417W.
Identifiers: ClinVar variation 3038217 (VCV003038217.2), dbSNP rs139659653, ClinGen allele CA4242248.